The following is an entry in ClinVar:

ClinVar aggregate classification (germline): Benign. Review status: reviewed by expert panel (3 of 4 stars). 2 submissions from 2 submitters: Benign (1). 1 of the submissions does not count toward it. Last evaluated 2020-05-13.

Conditions:
Hereditary thrombocytopenia and hematologic cancer predisposition syndrome. Identifiers: Orphanet 71290, MedGen CN281654, MONDO:0011071.
Hereditary thrombocytopenia and hematological cancer predisposition syndrome associated with RUNX1. Also called: PLATELET DISORDER, ASPIRIN-LIKE; RUNX1 Familial Platelet Disorder with Associated Myeloid Malignancies; Familial Platelet Disorder with Propensity to Acute Myelogenous Leukemia; Familial thrombocytopenia with propensity to acute myelogenous leukemia. Identifiers: Orphanet 71290, MedGen C1832388, MeSH C563324, MONDO:0100083, OMIM 601399.

Allele frequency attached by ClinVar (database versions not stated): gnomAD below 0.00001 and 0.00007; TOPMed below 0.00001; 1000 Genomes Project 0.00060; 1000 Genomes Project 30x 0.00062.
gnomAD v4.1: 10 of 233,670 alleles (0.0043%); highest among the groups gnomAD compares: South Asian, 0.18%; no homozygotes.

Submissions (2):

ClinGen Myeloid Malignancy Variant Curation Expert Panel
Classification: Benign for Hereditary thrombocytopenia and hematologic cancer predisposition syndrome. Last evaluated: 2020-05-13. Review status: reviewed by expert panel. Criteria: ClinGen MyeloMalig ACMG Specifications v1. Collection method: curation. Allele origin: germline. Inheritance: Autosomal dominant inheritance.
Comment: The RUNX1 c.*1720C>T variant in the 3' UTR has an MAF of 0.002298 (0.23%, 7/3046 alleles) in the South Asian subpopulation of the gnomAD v3 cohort and is >= 0.0015 (0.15%) (BA1). In summary, this variant meets criteria to be classified as benign. ACMG/AMP criteria applied, as specified by the Myeloid Malignancy Variant Curation Expert Panel for RUNX1: BA1.

Illumina Laboratory Services, Illumina
Classification: Benign for Hereditary thrombocytopenia and hematological cancer predisposition syndrome associated with RUNX1. Last evaluated: 2018-01-13. Review status: criteria provided, single submitter. Criteria: ICSL Variant Classification Criteria 13 December 2019. Collection method: clinical testing. Allele origin: germline. Not counted in ClinVar's aggregate classification.
Comment: This variant was observed in the ICSL laboratory as part of a predisposition screen in an ostensibly healthy population. It had not been previously curated by ICSL or reported in the Human Gene Mutation Database (HGMD: prior to June 1st, 2018), and was therefore a candidate for classification through an automated scoring system. Utilizing variant allele frequency, disease prevalence and penetrance estimates, and inheritance mode, an automated score was calculated to assess if this variant is too frequent to cause the disease. Based on the score and internal cut-off values, a variant classified as benign is not then subjected to further curation. The score for this variant resulted in a classification of benign for this disease.

NM_001754.5(RUNX1):c.*1720C>T

Gene: RUNX1 (RUNX family transcription factor 1; minus strand). Cytogenetic location: 21q22.12.
Variant type: single nucleotide variant.
Coding change: c.*1720C>T on transcript NM_001754.5 (MANE Select); 1720 bases downstream of the stop codon, C replaced by T.
Molecular consequence: 3 prime UTR variant.
Genome position (GRCh38, 1-based): chr21:34,790,415, G>A on the plus strand (C>T on the coding strand, the complement: RUNX1 is on the minus strand). VCF-style: chr21-34790415-G-A. GRCh37 (hg19) VCF-style: chr21-36162712-G-A.
Other names: c.*1720C>T (NM_001001890.3, NM_001754.4).
Identifiers: ClinVar variation 339842 (VCV000339842.6), dbSNP rs568766039, ClinGen allele CA10652925.